The following is an entry in ClinVar:

ClinVar aggregate classification (germline): Benign/Likely benign. Review status: criteria provided, multiple submitters, no conflicts (2 of 4 stars). 11 submissions from 10 submitters: Benign (8); Likely benign (1). 2 of the submissions do not count toward it. Last evaluated 2026-02-04.

Conditions:
Aldosterone-producing adenoma with seizures and neurological abnormalities. Also called: Primary aldosteronism, seizures, and neurologic abnormalities. Identifiers: Orphanet 369929, MedGen C3809609, MONDO:0014200, OMIM 615474.
Sinoatrial node dysfunction and deafness (SANDD). Identifiers: Orphanet 324321, MedGen C3554018, MONDO:0013960, OMIM 614896.

Allele frequency attached by ClinVar (database versions not stated): 1000 Genomes Project 30x 0.18879; 1000 Genomes Project 0.19229; TOPMed 0.24543; ESP Exome Variant Server 0.25450; gnomAD 0.25717 and 0.25881; ExAC 0.29936; gnomAD exomes 0.30224 and 0.32296.
gnomAD v4.1: 510,449 of 1,613,234 alleles (32%); highest among the groups gnomAD compares: Non-Finnish European, 34%; 84,650 homozygotes.

Submissions (11):

Labcorp Genetics (formerly Invitae), Labcorp
Classification: Benign. Last evaluated: 2026-02-04. Review status: criteria provided, single submitter. Criteria: Invitae Variant Classification Sherloc (09022015). Collection method: clinical testing. Allele origin: germline.

Blueprint Genetics
Classification: Likely benign. Last evaluated: 2024-11-26. Review status: criteria provided, single submitter. Criteria: ACMG Guidelines, 2015. Collection method: clinical testing. Allele origin: germline.

KCCC/NGS Laboratory, Kuwait Cancer Control Center
Classification: Benign for Aldosterone-producing adenoma with seizures and neurological abnormalities. Last evaluated: 2023-07-07. Review status: criteria provided, single submitter. Criteria: ACMG Guidelines, 2015. Collection method: clinical testing. Allele origin: germline. Affected: yes.

Mayo Clinic Laboratories, Mayo Clinic
Classification: Benign. Last evaluated: 2022-04-26. Review status: criteria provided, single submitter. Criteria: ACMG Guidelines, 2015. Collection method: clinical testing. Allele origin: germline. Observed: 353 variant alleles.

Genome-Nilou Lab
Classification: Benign for Aldosterone-producing adenoma with seizures and neurological abnormalities. Last evaluated: 2021-07-14. Review status: criteria provided, single submitter. Criteria: ACMG Guidelines, 2015. Collection method: clinical testing. Allele origin: germline. Affected: no.

Genome-Nilou Lab
Classification: Benign for Sinoatrial node dysfunction and deafness. Last evaluated: 2021-07-14. Review status: criteria provided, single submitter. Criteria: ACMG Guidelines, 2015. Collection method: clinical testing. Allele origin: germline. Affected: no.

GeneDx
Classification: Benign. Last evaluated: 2017-05-09. Review status: criteria provided, single submitter. Criteria: GeneDx Variant Classification (06012015). Collection method: clinical testing. Allele origin: germline. Affected: yes.
Comment: This variant is considered likely benign or benign based on one or more of the following criteria: it is a conservative change, it occurs at a poorly conserved position in the protein, it is predicted to be benign by multiple in silico algorithms, and/or has population frequency not consistent with disease.

Laboratory for Molecular Medicine, Mass General Brigham Personalized Medicine
Classification: Benign. Last evaluated: 2014-11-24. Review status: criteria provided, single submitter. Criteria: LMM Criteria. Collection method: clinical testing. Allele origin: germline. Observed: 526 variant alleles.
Comment: Ser920Ser in exon 21 of CACNA1D: This variant is not expected to have clinical s ignificance because it does not alter an amino acid residue and is not located w ithin the splice consensus sequence. It has been identified in 34.9% (3003/8600) of European American chromosomes from a broad population by the NHLBI Exome Seq uencing Project (dbSNP rs1045958).

Breakthrough Genomics
Classification: Benign. Review status: criteria provided, single submitter. Criteria: ACMG Guidelines, 2015. Collection method: not provided. Allele origin: germline. Inheritance: Autosomal recessive inheritance. Affected: yes.

Clinical Genetics, Academic Medical Center
Classification: Benign. Review status: no assertion criteria provided. Collection method: clinical testing. Allele origin: germline. Affected: yes. Study: VKGL Data-share Consensus. Not counted in ClinVar's aggregate classification.

Diagnostic Laboratory, Department of Genetics, University Medical Center Groningen
Classification: Benign for Sinoatrial node dysfunction and deafness. Review status: no assertion criteria provided. Collection method: clinical testing. Allele origin: germline. Affected: yes. Study: VKGL Data-share Consensus. Not counted in ClinVar's aggregate classification.

NM_001128840.3(CACNA1D):c.2700C>T (p.Ser900=)

Gene: CACNA1D (calcium voltage-gated channel subunit alpha1 D; plus strand). Cytogenetic location: 3p21.1.
Variant type: single nucleotide variant.
Coding change: c.2700C>T on transcript NM_001128840.3 (MANE Select); coding-DNA position 2700, C replaced by T.
Protein change: p.Ser900=; no amino-acid change (serine 900 retained).
Molecular consequence: synonymous variant.
Genome position (GRCh38, 1-based): chr3:53,735,452, C>T. VCF-style: chr3-53735452-C-T. GRCh37 (hg19) VCF-style: chr3-53769479-C-T.
Other names: p.Ser920=; c.2760C>T, p.Ser920= (NM_000720.4); c.2700C>T, p.Ser900= (NM_001128839.3).
Identifiers: ClinVar variation 226470 (VCV000226470.20), dbSNP rs1045958, ClinGen allele CA2454318.